The following is an entry in ClinVar:

ClinVar aggregate classification (germline): Conflicting classifications of pathogenicity. Review status: criteria provided, conflicting classifications (1 of 4 stars). 4 submissions from 2 submitters: Uncertain significance (1); Likely benign (3). Last evaluated 2024-05-19.

Conditions:
Pallister-Hall syndrome (PHS). Also called: HYPOTHALAMIC HAMARTOBLASTOMA, HYPOPITUITARISM, IMPERFORATE ANUS, AND POSTAXIAL POLYDACTYLY; GLI3-Related Pallister-Hall Syndrome. Identifiers: Orphanet 672, MedGen C0265220, MONDO:0007804, OMIM 146510.
Polysyndactyly 4. Also called: Polysyndactyly uncomplicated; Preaxial polydactyly 4. Identifiers: Orphanet 93338, MedGen C1868111, MONDO:0008272, OMIM 174700.
Polydactyly, postaxial, type A1. Identifiers: MedGen C4282400, MONDO:0008266, OMIM 174200.
Greig cephalopolysyndactyly syndrome (GCPS). Also called: POLYSYNDACTYLY WITH PECULIAR SKULL SHAPE; Greig syndrome; GLI3-Related Greig Cephalopolysyndactyly Syndrome. Identifiers: Orphanet 380, MedGen C0265306, MONDO:0008287, OMIM 175700.
Polydactyly. Also called: polydactylism. Identifiers: MedGen C0152427, MONDO:0021003, OMIM 603596, HP:0010442.

Allele frequency attached by ClinVar (database versions not stated): gnomAD 0.00001; TOPMed 0.00005.
gnomAD v4.1: 57 of 1,608,322 alleles (0.0035%); highest among the groups gnomAD compares: East Asian, 0.0067%; no homozygotes.

Submissions (4):

Fulgent Genetics
Classification: Uncertain significance for Pallister-Hall syndrome; Polydactyly, postaxial, type A1; Polysyndactyly 4; Greig cephalopolysyndactyly syndrome. Last evaluated: 2024-05-19. Review status: criteria provided, single submitter. Criteria: ACMG Guidelines, 2015. Collection method: clinical testing. Allele origin: germline.

Illumina Laboratory Services, Illumina
Classification: Likely benign for Pallister-Hall syndrome. Last evaluated: 2018-01-13. Review status: criteria provided, single submitter. Criteria: ICSL Variant Classification Criteria 13 December 2019. Collection method: clinical testing. Allele origin: germline.
Comment: This variant was observed in the ICSL laboratory as part of a predisposition screen in an ostensibly healthy population. It had not been previously curated by ICSL or reported in the Human Gene Mutation Database (HGMD: prior to June 1st, 2018), and was therefore a candidate for classification through an automated scoring system. Utilizing variant allele frequency, disease prevalence and penetrance estimates, and inheritance mode, an automated score was calculated to assess if this variant is too frequent to cause the disease. Based on the score and internal cut-off values, a variant classified as likely benign is not then subjected to further curation. The score for this variant resulted in a classification of likely benign for this disease.

Illumina Laboratory Services, Illumina
Classification: Likely benign for Greig cephalopolysyndactyly syndrome. Last evaluated: 2018-01-13. Review status: criteria provided, single submitter. Criteria: ICSL Variant Classification Criteria 13 December 2019. Collection method: clinical testing. Allele origin: germline.
Comment: the same text as in the submission from Illumina Laboratory Services, Illumina above.

Illumina Laboratory Services, Illumina
Classification: Likely benign for Polydactyly. Last evaluated: 2018-01-13. Review status: criteria provided, single submitter. Criteria: ICSL Variant Classification Criteria 13 December 2019. Collection method: clinical testing. Allele origin: germline.
Comment: the same text as in the submission from Illumina Laboratory Services, Illumina above.

NM_000168.6(GLI3):c.367C>T (p.His123Tyr)

Gene: GLI3 (GLI family zinc finger 3; minus strand). Cytogenetic location: 7p14.1.
Variant type: single nucleotide variant.
Coding change: c.367C>T on transcript NM_000168.6 (MANE Select); coding-DNA position 367, C replaced by T.
Protein change: p.His123Tyr; replaces histidine 123 with tyrosine.
Molecular consequence: missense variant.
Genome position (GRCh38, 1-based): chr7:42,148,226, G>A on the plus strand (C>T on the coding strand, the complement: GLI3 is on the minus strand). VCF-style: chr7-42148226-G-A. GRCh37 (hg19) VCF-style: chr7-42187825-G-A.
Other names: short protein forms H123Y.
Identifiers: ClinVar variation 360258 (VCV000360258.6), dbSNP rs199909375, ClinGen allele CA4231236.